The following is an entry in ClinVar:

NM_002439.5(MSH3):c.2887del (p.Ile963fs)

Gene: MSH3 (mutS homolog 3; plus strand). Cytogenetic location: 5q14.1.
Variant type: Deletion.
Coding change: c.2887del on transcript NM_002439.5 (MANE Select); coding-DNA position 2887, one base deleted (A; older notation c.2887delA).
Protein change: p.Ile963fs; shifts the reading frame from isoleucine 963.
Molecular consequence: frameshift variant.
Genome position (GRCh38, 1-based): chr5:80,854,203, A deleted; the last of 2 consecutive A bases (chr5:80,854,202-80,854,203); deleting either gives the same sequence. VCF-style (leftmost placement, unchanged base first): chr5-80854201-TA-T. GRCh37 (hg19) VCF-style: chr5-80150020-TA-T.
Other names: c.2887delA (NM_002439.3); short protein forms I963fs.
Identifiers: ClinVar variation 963653 (VCV000963653.9), dbSNP rs1745878088, ClinGen allele CA1139658915.

ClinVar aggregate classification (germline): Pathogenic. Review status: criteria provided, multiple submitters, no conflicts (2 of 4 stars). 3 submissions from 3 submitters: Pathogenic (3). Last evaluated 2025-12-28.

Conditions:
Familial adenomatous polyposis 4 (FAP4). Also called: MSH3-related attenuated familial adenomatous polyposis. Identifiers: Orphanet 480536, MedGen C4310719, MONDO:0044300, OMIM 617100.
Hereditary cancer-predisposing syndrome. Also called: Tumor predisposition; Hereditary neoplastic syndrome; Hereditary Cancer Syndrome; Neoplastic Syndromes, Hereditary. Identifiers: Orphanet 140162, MedGen C0027672, MeSH D009386, MONDO:0015356.

Submissions (3):

Labcorp Genetics (formerly Invitae), Labcorp
Classification: Pathogenic. Last evaluated: 2025-12-28. Review status: criteria provided, single submitter. Criteria: Invitae Variant Classification Sherloc (09022015). Collection method: clinical testing. Allele origin: germline.
Comment: This sequence change creates a premature translational stop signal (p.Ile963Serfs*15) in the MSH3 gene. It is expected to result in an absent or disrupted protein product. Loss-of-function variants in MSH3 are known to be pathogenic (PMID: 27476653, 37402566). This variant is not present in population databases (gnomAD no frequency). This variant has not been reported in the literature in individuals affected with MSH3-related conditions. ClinVar contains an entry for this variant (Variation ID: 963653). For these reasons, this variant has been classified as Pathogenic.

Ambry Genetics
Classification: Pathogenic for Hereditary cancer-predisposing syndrome. Last evaluated: 2024-04-18. Review status: criteria provided, single submitter. Criteria: Ambry Variant Classification Scheme 2023. Collection method: clinical testing. Allele origin: germline.
Comment: The c.2887delA pathogenic mutation, located in coding exon 21 of the MSH3 gene, results from a deletion of one nucleotide at nucleotide position 2887, causing a translational frameshift with a predicted alternate stop codon (p.I963Sfs*15). This variant is considered to be rare based on population cohorts in the Genome Aggregation Database (gnomAD). This alteration is expected to result in loss of function by premature protein truncation or nonsense-mediated mRNA decay. As such, this alteration is interpreted as a disease-causing mutation.

Myriad Genetics, Inc.
Classification: Pathogenic for Familial adenomatous polyposis 4. Last evaluated: 2023-08-31. Review status: criteria provided, single submitter. Criteria: Myriad Autosomal Dominant, Autosomal Recessive and X-Linked Classification Criteria (2023). Collection method: clinical testing. Allele origin: unknown.
Comment: This variant is considered pathogenic. This variant creates a frameshift predicted to result in premature protein truncation.

Literature cited by the submitters: PubMed 27476653 (cited by Labcorp Genetics (formerly Invitae), Labcorp); PubMed 37402566 (cited by Labcorp Genetics (formerly Invitae), Labcorp).